The following is an entry in ClinVar:

NM_006172.4(NPPA):c.260T>A (p.Val87Asp)

Genes: NPPA (natriuretic peptide A; minus strand), NPPA-AS1 (NPPA antisense RNA 1; plus strand), LOC114827827 (VISTA enhancer hs2123; plus strand). Cytogenetic location: 1p36.22.
Variant type: single nucleotide variant.
Coding change: c.260T>A on transcript NM_006172.4 (MANE Select); coding-DNA position 260, T replaced by A.
Protein change: p.Val87Asp; replaces valine 87 with aspartic acid.
Molecular consequence: missense variant.
Genome position (GRCh38, 1-based): chr1:11,847,303, A>T on the plus strand (T>A on the coding strand, the complement: NPPA is on the minus strand). VCF-style: chr1-11847303-A-T. GRCh37 (hg19) VCF-style: chr1-11907360-A-T.
Other names: short protein forms V87D.
Identifiers: ClinVar variation 4779403 (VCV004779403.1).

ClinVar aggregate classification (germline): Uncertain significance (1 of 4 stars; one submission).

Conditions:
Atrial fibrillation, familial, 6 (ATFB6). Identifiers: MedGen C2677294, MONDO:0012816, OMIM 612201.

Submission:

Labcorp Genetics (formerly Invitae), Labcorp
Classification: Uncertain significance for Atrial fibrillation, familial, 6. Last evaluated: 2025-04-17. Review status: criteria provided, single submitter. Criteria: Invitae Variant Classification Sherloc (09022015). Collection method: clinical testing. Allele origin: germline.
Comment: This sequence change replaces valine, which is neutral and non-polar, with aspartic acid, which is acidic and polar, at codon 87 of the NPPA protein (p.Val87Asp). This variant is not present in population databases (gnomAD no frequency). This variant has not been reported in the literature in individuals affected with NPPA-related conditions. An algorithm developed to predict the effect of missense changes on protein structure and function (PolyPhen-2) suggests that this variant is likely to be disruptive. In summary, the available evidence is currently insufficient to determine the role of this variant in disease. Therefore, it has been classified as a Variant of Uncertain Significance.